The following is an entry in ClinVar:

ClinVar aggregate classification (germline): Benign (0 of 4 stars; one submission).

Conditions:
UNC5C-related disorder. Also called: UNC5C-related condition.

Allele frequency attached by ClinVar (database versions not stated): ESP Exome Variant Server 0.00077; 1000 Genomes Project 30x 0.00078; 1000 Genomes Project 0.00080; gnomAD exomes 0.00193; gnomAD 0.00291; ExAC 0.00325.
gnomAD v4.1: 3,250 of 1,611,866 alleles (0.2%); highest among the groups gnomAD compares: Non-Finnish European, 0.13%; 19 homozygotes.

Submission:

PreventionGenetics, part of Exact Sciences
Classification: Benign for UNC5C-related condition. Last evaluated: 2019-06-06. Review status: no assertion criteria provided. Collection method: clinical testing. Allele origin: germline.
Comment: This variant is classified as benign based on ACMG/AMP sequence variant interpretation guidelines (Richards et al. 2015 PMID: 25741868, with internal and published modifications).

NM_003728.4(UNC5C):c.319G>C (p.Val107Leu)

Gene: UNC5C (unc-5 netrin receptor C; minus strand). Cytogenetic location: 4q22.3.
Variant type: single nucleotide variant.
Coding change: c.319G>C on transcript NM_003728.4 (MANE Select); coding-DNA position 319, G replaced by C.
Protein change: p.Val107Leu; replaces valine 107 with leucine.
Molecular consequence: missense variant.
Genome position (GRCh38, 1-based): chr4:95,335,437, C>G on the plus strand (G>C on the coding strand, the complement: UNC5C is on the minus strand). VCF-style: chr4-95335437-C-G. GRCh37 (hg19) VCF-style: chr4-96256588-C-G.
Other names: short protein forms V107L.
Identifiers: ClinVar variation 3033334 (VCV003033334.2), dbSNP rs41275687, ClinGen allele CA3016025.